The following is an entry in ClinVar:

ClinVar aggregate classification (germline): Uncertain significance (1 of 4 stars; one submission).

Submission:

Ambry Genetics
Classification: Uncertain significance. Last evaluated: 2024-02-24. Review status: criteria provided, single submitter. Criteria: Ambry Variant Classification Scheme 2023. Collection method: clinical testing. Allele origin: germline.
Comment: The p.D958E variant (also known as c.2874C>G), located in coding exon 16 of the POLQ gene, results from a C to G substitution at nucleotide position 2874. The aspartic acid at codon 958 is replaced by glutamic acid, an amino acid with highly similar properties. This amino acid position is conserved. In addition, this alteration is predicted to be tolerated by in silico analysis. Based on the available evidence, the clinical significance of this alteration remains unclear.

NM_199420.4(POLQ):c.2874C>G (p.Asp958Glu)

Gene: POLQ (DNA polymerase theta; minus strand). Cytogenetic location: 3q13.33.
Variant type: single nucleotide variant.
Coding change: c.2874C>G on transcript NM_199420.4 (MANE Select); coding-DNA position 2874, C replaced by G.
Protein change: p.Asp958Glu; replaces aspartic acid 958 with glutamic acid.
Molecular consequence: missense variant.
Genome position (GRCh38, 1-based): chr3:121,490,057, G>C on the plus strand (C>G on the coding strand, the complement: POLQ is on the minus strand). VCF-style: chr3-121490057-G-C. GRCh37 (hg19) VCF-style: chr3-121208904-G-C.
Other names: short protein forms D958E.
Identifiers: ClinVar variation 3229901 (VCV003229901.1), dbSNP rs753685309, ClinGen allele CA354104162.